The following is an entry in ClinVar:

ClinVar aggregate classification (germline): Uncertain significance. Review status: criteria provided, multiple submitters, no conflicts (2 of 4 stars). 5 submissions from 5 submitters: Uncertain significance (5). Last evaluated 2025-10-13.

Conditions:
Cardiovascular phenotype. Identifiers: MedGen CN230736.
Myofibrillar myopathy 4. Also called: Zaspopathy (type). Identifiers: Orphanet 98912, MedGen C4721886, MONDO:0012277, OMIM 609452.

Allele frequency attached by ClinVar (database versions not stated): gnomAD 0.00002 and 0.00003; ExAC 0.00007; ESP Exome Variant Server 0.00008; 1000 Genomes Project 30x 0.00016; gnomAD exomes 0.00003; TOPMed 0.00003; 1000 Genomes Project 0.00020.
gnomAD v4.1: 55 of 1,613,074 alleles (0.0034%); highest among the groups gnomAD compares: Middle Eastern, 0.017%; 1 homozygote.

Submissions (5):

Labcorp Genetics (formerly Invitae), Labcorp
Classification: Uncertain significance for Myofibrillar myopathy 4. Last evaluated: 2025-10-13. Review status: criteria provided, single submitter. Criteria: Invitae Variant Classification Sherloc (09022015). Collection method: clinical testing. Allele origin: germline.
Comment: The LDB3 gene has multiple clinically relevant transcripts. This variant occurs in alternate transcript NM_007078.3, and corresponds to NM_001080116.1:c.*17360C>T in the primary transcript. This sequence change replaces arginine, which is basic and polar, with tryptophan, which is neutral and slightly polar, at codon 547 of the LDB3 protein (p.Arg547Trp). This variant is present in population databases (rs374426474, gnomAD 0.01%). This variant has not been reported in the literature in individuals affected with LDB3-related conditions. Experimental studies and prediction algorithms are not available or were not evaluated, and the functional significance of this variant is currently unknown. In summary, the available evidence is currently insufficient to determine the role of this variant in disease. Therefore, it has been classified as a Variant of Uncertain Significance.

GeneDx
Classification: Uncertain significance. Last evaluated: 2025-01-22. Review status: criteria provided, single submitter. Criteria: GeneDx Variant Classification Process June 2021. Collection method: clinical testing. Allele origin: germline. Affected: yes.
Comment: Has not been previously published as pathogenic or benign to our knowledge; In silico analysis supports that this missense variant has a deleterious effect on protein structure/function

Ambry Genetics
Classification: Uncertain significance for Cardiovascular phenotype. Last evaluated: 2024-07-31. Review status: criteria provided, single submitter. Criteria: Ambry Variant Classification Scheme 2023. Collection method: clinical testing. Allele origin: germline.
Comment: The p.R547W variant (also known as c.1639C>T), located in coding exon 9 of the LDB3 gene, results from a C to T substitution at nucleotide position 1639. The arginine at codon 547 is replaced by tryptophan, an amino acid with dissimilar properties. This amino acid position is highly conserved in available vertebrate species. In addition, this alteration is predicted to be deleterious by in silico analysis. Since supporting evidence is limited at this time, the clinical significance of this alteration remains unclear.

Women's Health and Genetics/Laboratory Corporation of America, LabCorp
Classification: Uncertain significance. Last evaluated: 2024-03-12. Review status: criteria provided, single submitter. Criteria: LabCorp Variant Classification Summary - May 2015. Collection method: clinical testing. Allele origin: germline.
Comment: Variant summary: LDB3 c.1639C>T (p.Arg547Trp) results in a non-conservative amino acid change in the encoded protein sequence. Four of five in-silico tools predict a damaging effect of the variant on protein function. The variant allele was found at a frequency of 3.2e-05 in 248036 control chromosomes. The available data on variant occurrences in the general population are insufficient to allow any conclusion about variant significance. To our knowledge, no occurrence of c.1639C>T in individuals affected with Cardiomyopathy and no experimental evidence demonstrating its impact on protein function have been reported. ClinVar contains an entry for this variant (Variation ID: 201853). Based on the evidence outlined above, the variant was classified as uncertain significance.

CeGaT Center for Human Genetics Tuebingen
Classification: Uncertain significance. Last evaluated: 2018-10-01. Review status: criteria provided, single submitter. Criteria: CeGaT Center For Human Genetics Tuebingen Variant Classification Criteria Version 2. Collection method: clinical testing. Allele origin: germline. Affected: yes. Observed: 1 variant allele.

NM_007078.3(LDB3):c.1639C>T (p.Arg547Trp)

Gene: LDB3 (LIM domain binding 3; plus strand). Cytogenetic location: 10q23.2.
Variant type: single nucleotide variant.
Coding change: c.1639C>T on transcript NM_007078.3 (MANE Select); coding-DNA position 1639, C replaced by T.
Protein change: p.Arg547Trp; replaces arginine 547 with tryptophan.
Molecular consequence: missense variant.
Genome position (GRCh38, 1-based): chr10:86,716,734, C>T. VCF-style: chr10-86716734-C-T. GRCh37 (hg19) VCF-style: chr10-88476491-C-T.
Other names: p.R547W:CGG>TGG; c.1309C>T, p.Arg437Trp (NM_001080114.2); c.1654C>T, p.Arg552Trp (NM_001171610.2); c.1450C>T, p.Arg484Trp (NM_001368064.1, NM_001368065.1); c.1498C>T, p.Arg500Trp (NM_001368066.1); short protein forms R547W, R500W, R552W, R484W, R437W.
Identifiers: ClinVar variation 201853 (VCV000201853.55), dbSNP rs374426474, ClinGen allele CA308645.
Genomic context (GRCh38, chr10:86,716,734, plus strand): 5'-CAGGTGCCACCACTTGCCAGGGGGACCGTCCAGAGGGCTGAGCGATTCCCAGCCAGCAGC[C>T]GGACTCCACTCTGCGGTCACTGCAACAATGTCATCCGGTATGGTCCAGCTGTGCCCCTGC-3'
Protein context (NP_009009.1, residues 537-557): QRAERFPASS[Arg547Trp]TPLCGHCNNV